The following is an entry in ClinVar:

ClinVar aggregate classification (germline): Likely pathogenic (1 of 4 stars; one submission).

Conditions:
Methylcobalamin deficiency type cblG (HMAG). Also called: HOMOCYSTINURIA-MEGALOBLASTIC ANEMIA, cblG TYPE; HOMOCYSTINURIA-MEGALOBLASTIC ANEMIA, cblG COMPLEMENTATION TYPE; Functional methionine synthase deficiency type cblG; HOMOCYSTINURIA-MEGALOBLASTIC ANEMIA DUE TO DEFECT IN COBALAMIN METABOLISM, cblG COMPLEMENTATION TYPE. Identifiers: Orphanet 2170, Orphanet 622, MedGen C1855128, MONDO:0009609, OMIM 250940.

gnomAD v4.1: 3 of 1,613,980 alleles (0.00019%); highest among the groups gnomAD compares: Non-Finnish European, 0.00025%; no homozygotes.

Submission:

Labcorp Genetics (formerly Invitae), Labcorp
Classification: Likely pathogenic for Methylcobalamin deficiency type cblG. Last evaluated: 2022-03-11. Review status: criteria provided, single submitter. Criteria: Invitae Variant Classification Sherloc (09022015). Collection method: clinical testing. Allele origin: germline.
Comment: In summary, the currently available evidence indicates that the variant is pathogenic, but additional data are needed to prove that conclusively. Therefore, this variant has been classified as Likely Pathogenic. Algorithms developed to predict the effect of sequence changes on RNA splicing suggest that this variant may disrupt the consensus splice site. This variant has not been reported in the literature in individuals affected with MTR-related conditions. This variant is not present in population databases (gnomAD no frequency). This sequence change affects a donor splice site in intron 27 of the MTR gene. It is expected to disrupt RNA splicing. Variants that disrupt the donor or acceptor splice site typically lead to a loss of protein function (PMID: 16199547), and loss-of-function variants in MTR are known to be pathogenic (PMID: 9683607, 12068375).

Literature cited by the submitters: PubMed 16199547; PubMed 9683607; PubMed 12068375.

NM_000254.3(MTR):c.2851+2T>G

Gene: MTR (5-methyltetrahydrofolate-homocysteine methyltransferase; plus strand). Cytogenetic location: 1q43.
Variant type: single nucleotide variant.
Coding change: c.2851+2T>G on transcript NM_000254.3 (MANE Select); the canonical splice donor site of the intron after coding-DNA position 2851, T replaced by G.
Molecular consequence: splice donor variant.
Genome position (GRCh38, 1-based): chr1:236,886,369, T>G. VCF-style: chr1-236886369-T-G. GRCh37 (hg19) VCF-style: chr1-237049669-T-G.
Other names: c.2698+2T>G (NM_001291939.1); c.2662+2T>G (NM_001410942.1); c.1630+2T>G (NM_001291940.2).
Identifiers: ClinVar variation 1487181 (VCV001487181.8), dbSNP rs2147922731, ClinGen allele CA345385205.